The following is an entry in ClinVar:

ClinVar aggregate classification (germline): Uncertain significance (0 of 4 stars; one submission).

Conditions:
CREBBP-related disorder. Also called: CREBBP-related condition; CREBBP-related disorders.

gnomAD v4.1: 2 of 1,614,030 alleles (0.00012%); highest among the groups gnomAD compares: East Asian, 0.0022%; no homozygotes.

Submission:

PreventionGenetics, part of Exact Sciences
Classification: Uncertain significance for CREBBP-related condition. Last evaluated: 2023-11-14. Review status: no assertion criteria provided. Collection method: clinical testing. Allele origin: germline.
Comment: The CREBBP c.2219G>A variant is predicted to result in the amino acid substitution p.Gly740Glu. To our knowledge, this variant has not been reported in the literature or in a large population database, indicating this variant is rare. At this time, the clinical significance of this variant is uncertain due to the absence of conclusive functional and genetic evidence.

NM_004380.3(CREBBP):c.2219G>A (p.Gly740Glu)

Gene: CREBBP (CREB binding lysine acetyltransferase; minus strand). Cytogenetic location: 16p13.3.
Variant type: single nucleotide variant.
Coding change: c.2219G>A on transcript NM_004380.3 (MANE Select); coding-DNA position 2219, G replaced by A.
Protein change: p.Gly740Glu; replaces glycine 740 with glutamic acid.
Molecular consequence: missense variant.
Genome position (GRCh38, 1-based): chr16:3,774,633, C>T on the plus strand (G>A on the coding strand, the complement: CREBBP is on the minus strand). VCF-style: chr16-3774633-C-T. GRCh37 (hg19) VCF-style: chr16-3824634-C-T.
Other names: c.2105G>A, p.Gly702Glu (NM_001079846.1); short protein forms G702E, G740E.
Identifiers: ClinVar variation 3348092 (VCV003348092.1).